The following is an entry in ClinVar:

ClinVar aggregate classification (germline): Uncertain significance (1 of 4 stars; one submission).

Conditions:
RASopathy. Also called: rasopathies; Noonan spectrum disorder. Identifiers: Orphanet 536391, MedGen C5555857, MONDO:0021060.

Submission:

Labcorp Genetics (formerly Invitae), Labcorp
Classification: Uncertain significance for RASopathy. Last evaluated: 2025-02-10. Review status: criteria provided, single submitter. Criteria: Invitae Variant Classification Sherloc (09022015). Collection method: clinical testing. Allele origin: germline.
Comment: This sequence change replaces lysine, which is basic and polar, with arginine, which is basic and polar, at codon 382 of the CBL protein (p.Lys382Arg). This variant is not present in population databases (gnomAD no frequency). This variant has not been reported in the literature in individuals affected with CBL-related conditions. ClinVar contains an entry for this variant (Variation ID: 2809130). Invitae Evidence Modeling of protein sequence and biophysical properties (such as structural, functional, and spatial information, amino acid conservation, physicochemical variation, residue mobility, and thermodynamic stability) indicates that this missense variant is expected to disrupt CBL protein function with a positive predictive value of 95%. In summary, the available evidence is currently insufficient to determine the role of this variant in disease. Therefore, it has been classified as a Variant of Uncertain Significance.

NM_005188.4(CBL):c.1145A>G (p.Lys382Arg)

Gene: CBL (Cbl proto-oncogene; plus strand). Cytogenetic location: 11q23.3.
Variant type: single nucleotide variant.
Coding change: c.1145A>G on transcript NM_005188.4 (MANE Select); coding-DNA position 1145, A replaced by G.
Protein change: p.Lys382Arg; replaces lysine 382 with arginine.
Molecular consequence: missense variant.
Genome position (GRCh38, 1-based): chr11:119,278,215, A>G. VCF-style: chr11-119278215-A-G. GRCh37 (hg19) VCF-style: chr11-119148925-A-G.
Other names: short protein forms K382R.
Identifiers: ClinVar variation 2809130 (VCV002809130.3), dbSNP rs2135303696, ClinGen allele CA382912510.